The following is an entry in ClinVar:

ClinVar aggregate classification (germline): Uncertain significance (1 of 4 stars; one submission).

Conditions:
Neurodevelopmental disorder with hypotonia, seizures, and absent language (NDHSAL). Identifiers: MedGen C4310643, MONDO:0014995, OMIM 617268.

Allele frequency attached by ClinVar (database versions not stated): gnomAD exomes 0.00001.
gnomAD v4.1: 17 of 1,584,538 alleles (0.0011%); highest among the groups gnomAD compares: Non-Finnish European, 0.0015%; no homozygotes.

Submission:

Victorian Clinical Genetics Services, Murdoch Childrens Research Institute
Classification: Uncertain significance for Neurodevelopmental disorder with hypotonia, seizures, and absent language. Last evaluated: 2020-10-19. Review status: criteria provided, single submitter. Criteria: ACMG Guidelines, 2015. Collection method: clinical testing. Allele origin: germline. Inheritance: Autosomal dominant inheritance. Affected: yes.
Comment: Based on the classification scheme VCGS_Germline_v1.1.0, this variant is classified as 3B-VUS. Following criteria are met: 0105 - The mechanism of disease for this gene is not clearly established. (N) 0107 - This gene is known to be associated with autosomal dominant disease. (N) 0200 - Variant is predicted to result in a missense amino acid change from cysteine to tyrosine (exon 9). (N) 0251 - Variant is heterozygous. (N) 0301 - Variant is absent from gnomAD. (P) 0502 - Missense variant with conflicting in-silico predictions and/or uninformative conservation. (N) 0604 - Variant is not located in an established domain, motif, hotspot or informative constraint region. (N) 0705 - No comparable variants have previous evidence for pathogenicity. (N) 0807 - Variant has not previously been reported in a clinical context. 0905 - No segregation evidence has been identified for this variant. (N) 1007 - No published functional evidence has been identified for this variant. (N) 1208 - Inheritance information for this variant is not currently available. (N) Legend: (P) - Pathogenic, (N) - Neutral, (B) - Benign

NM_001348768.2(HECW2):c.1979G>A (p.Cys660Tyr)

Gene: HECW2 (HECT, C2 and WW domain containing E3 ubiquitin protein ligase 2; minus strand). Cytogenetic location: 2q32.3.
Variant type: single nucleotide variant.
Coding change: c.1979G>A on transcript NM_001348768.2 (MANE Select); coding-DNA position 1979, G replaced by A.
Protein change: p.Cys660Tyr; replaces cysteine 660 with tyrosine.
Molecular consequence: missense variant.
Genome position (GRCh38, 1-based): chr2:196,318,911, C>T on the plus strand (G>A on the coding strand, the complement: HECW2 is on the minus strand). VCF-style: chr2-196318911-C-T. GRCh37 (hg19) VCF-style: chr2-197183635-C-T.
Other names: c.911G>A, p.Cys304Tyr (NM_001304840.3); c.1979G>A, p.Cys660Tyr (NM_020760.4); short protein forms C304Y, C660Y.
Identifiers: ClinVar variation 1805473 (VCV001805473.1), dbSNP rs1459639513, ClinGen allele CA349964870.